The following is an entry in ClinVar:

ClinVar aggregate classification (germline): Uncertain significance (1 of 4 stars; one submission).

Conditions:
Nephronophthisis. Also called: Juvenile Nephronophthisis. Identifiers: Orphanet 655, MedGen C0687120, MONDO:0019005, HP:0000090.

Submission:

Labcorp Genetics (formerly Invitae), Labcorp
Classification: Uncertain significance for Nephronophthisis. Last evaluated: 2020-02-22. Review status: criteria provided, single submitter. Criteria: Invitae Variant Classification Sherloc (09022015). Collection method: clinical testing. Allele origin: germline.
Comment: This variant results in a copy number gain of the genomic region encompassing the full coding sequence of the NPHP3 gene. The boundaries of this event are unknown as they extend beyond the assayed region for this gene and therefore may encompass additional genes. As the precise location of this event is unknown, it may be in tandem or it may be located elsewhere in the genome. This variant has not been reported in the literature in individuals with NPHP3-related conditions. In summary, the available evidence is currently insufficient to determine the role of this variant in disease. Therefore, it has been classified as a Variant of Uncertain Significance.

NC_000003.12:g.(?_132465995)_(132722355_?)dup

Genes: ACAD11 (acyl-CoA dehydrogenase family member 11; minus strand), ACKR4 (atypical chemokine receptor 4; plus strand), DNAJC13 (DnaJ heat shock protein family (Hsp40) member C13; plus strand), NPHP3 (nephrocystin 3; minus strand), UBA5 (ubiquitin like modifier activating enzyme 5; plus strand). Cytogenetic location: 3q22.1.
Variant type: Duplication.
Identifiers: ClinVar variation 831681 (VCV000831681.2).